The following is an entry in ClinVar:

ClinVar aggregate classification (germline): Uncertain significance (1 of 4 stars; one submission).

Allele frequency attached by ClinVar (database versions not stated): gnomAD 0.00002; TOPMed 0.00002.
gnomAD v4.1: 35 of 1,606,408 alleles (0.0022%); highest among the groups gnomAD compares: African/African-American, 0.004%; no homozygotes.

Submission:

Ambry Genetics
Classification: Uncertain significance. Last evaluated: 2024-12-04. Review status: criteria provided, single submitter. Criteria: Ambry Variant Classification Scheme 2023. Collection method: clinical testing. Allele origin: germline.
Comment: The p.V769M variant (also known as c.2305G>A), located in coding exon 10 of the WNK2 gene, results from a G to A substitution at nucleotide position 2305. The valine at codon 769 is replaced by methionine, an amino acid with highly similar properties. This amino acid position is conserved. In addition, this alteration is predicted to be tolerated by in silico analysis. Based on the available evidence, the clinical significance of this variant remains unclear.

NM_006648.4(WNK2):c.2305G>A (p.Val769Met)

Gene: WNK2 (WNK lysine deficient protein kinase 2; plus strand). Cytogenetic location: 9q22.31.
Variant type: single nucleotide variant.
Coding change: c.2305G>A on transcript NM_006648.4 (MANE Select); coding-DNA position 2305, G replaced by A.
Protein change: p.Val769Met; replaces valine 769 with methionine.
Molecular consequence: missense variant.
Genome position (GRCh38, 1-based): chr9:93,257,062, G>A. VCF-style: chr9-93257062-G-A. GRCh37 (hg19) VCF-style: chr9-96019344-G-A.
Other names: c.2305G>A, p.Val769Met (NM_001282394.3); short protein forms V769M.
Identifiers: ClinVar variation 3190623 (VCV003190623.2), dbSNP rs1232053034, ClinGen allele CA374054270.